The following is an entry in ClinVar:

ClinVar aggregate classification (germline): Likely pathogenic (1 of 4 stars; one submission).

Submission:

Labcorp Genetics (formerly Invitae), Labcorp
Classification: Likely pathogenic. Last evaluated: 2025-02-12. Review status: criteria provided, single submitter. Criteria: Invitae Variant Classification Sherloc (09022015). Collection method: clinical testing. Allele origin: germline.
Comment: This sequence change affects an acceptor splice site in intron 26 of the ASPM gene. It is expected to disrupt RNA splicing. Variants that disrupt the donor or acceptor splice site typically lead to a loss of protein function (PMID: 16199547), and loss-of-function variants in ASPM are known to be pathogenic (PMID: 19028728, 23611254). This variant is not present in population databases (gnomAD no frequency). This variant has not been reported in the literature in individuals affected with ASPM-related conditions. Algorithms developed to predict the effect of sequence changes on RNA splicing suggest that this variant may disrupt the consensus splice site. In summary, the currently available evidence indicates that the variant is pathogenic, but additional data are needed to prove that conclusively. Therefore, this variant has been classified as Likely Pathogenic.

Literature cited by the submitters: PubMed 16199547; PubMed 19028728; PubMed 23611254.

NM_018136.5(ASPM):c.10162-2A>G

Gene: ASPM (assembly factor for spindle microtubules; minus strand). Cytogenetic location: 1q31.3.
Variant type: single nucleotide variant.
Coding change: c.10162-2A>G on transcript NM_018136.5 (MANE Select); the canonical splice acceptor site of the intron before coding-DNA position 10162, A replaced by G.
Molecular consequence: splice acceptor variant.
Genome position (GRCh38, 1-based): chr1:197,086,974, T>C on the plus strand (A>G on the coding strand, the complement: ASPM is on the minus strand). VCF-style: chr1-197086974-T-C. GRCh37 (hg19) VCF-style: chr1-197056104-T-C.
Other names: c.5407-2A>G (NM_001206846.2).
Identifiers: ClinVar variation 4712352 (VCV004712352.1).